The following is an entry in ClinVar:

ClinVar aggregate classification (germline): Pathogenic (1 of 4 stars; one submission).

Conditions:
Kabuki syndrome. Also called: NIIKAWA-KUROKI SYNDROME; Kabuki make-up syndrome. Identifiers: Orphanet 2322, MedGen C0796004, MONDO:0016512.

Submission:

Labcorp Genetics (formerly Invitae), Labcorp
Classification: Pathogenic for Kabuki syndrome. Last evaluated: 2025-03-31. Review status: criteria provided, single submitter. Criteria: Invitae Variant Classification Sherloc (09022015). Collection method: clinical testing. Allele origin: germline.
Comment: This sequence change creates a premature translational stop signal (p.Thr2524Argfs*19) in the KMT2D gene. It is expected to result in an absent or disrupted protein product. Loss-of-function variants in KMT2D are known to be pathogenic (PMID: 22126750). This variant is not present in population databases (gnomAD no frequency). This variant has not been reported in the literature in individuals affected with KMT2D-related conditions. For these reasons, this variant has been classified as Pathogenic.

Literature cited by the submitters: PubMed 22126750.

NM_003482.4(KMT2D):c.7569del (p.Thr2524fs)

Gene: KMT2D (lysine methyltransferase 2D; minus strand). Cytogenetic location: 12q13.12.
Variant type: Deletion.
Coding change: c.7569del on transcript NM_003482.4 (MANE Select); coding-DNA position 7569, one base deleted (G; older notation c.7569delG).
Protein change: p.Thr2524fs; shifts the reading frame from threonine 2524.
Molecular consequence: frameshift variant.
Genome position (GRCh38, 1-based): chr12:49,040,201, C deleted on the plus strand (G on the coding strand, the reverse complement: KMT2D is on the minus strand); the first of 3 consecutive C bases (chr12:49,040,201-49,040,203); deleting any one gives the same sequence. VCF-style (leftmost placement, unchanged base first): chr12-49040200-TC-T. GRCh37 (hg19) VCF-style: chr12-49433983-TC-T.
Other names: short protein forms T2524fs.
Identifiers: ClinVar variation 3645689 (VCV003645689.2).